The following is an entry in ClinVar:

ClinVar aggregate classification (germline): Pathogenic (1 of 4 stars; one submission).

Submission:

Labcorp Genetics (formerly Invitae), Labcorp
Classification: Pathogenic. Last evaluated: 2022-08-23. Review status: criteria provided, single submitter. Criteria: Invitae Variant Classification Sherloc (09022015). Collection method: clinical testing. Allele origin: germline.
Comment: This sequence change creates a premature translational stop signal (p.His1603Leufs*12) in the C2CD3 gene. It is expected to result in an absent or disrupted protein product. Loss-of-function variants in C2CD3 are known to be pathogenic (PMID: 24997988, 26477546). This variant is present in population databases (rs760073211, gnomAD 0.007%). This variant has not been reported in the literature in individuals affected with C2CD3-related conditions. For these reasons, this variant has been classified as Pathogenic.

Literature cited by the submitters: PubMed 24997988; PubMed 26477546.

NM_001286577.2(C2CD3):c.4808_4824del (p.His1603fs)

Gene: C2CD3 (C2 domain containing 3 centriole elongation regulator; minus strand). Cytogenetic location: 11q13.4.
Variant type: Deletion.
Coding change: c.4808_4824del on transcript NM_001286577.2 (MANE Select); coding-DNA positions 4808 to 4824, 17 bases deleted (ACCAGAAGTCTCCTGCC).
Protein change: p.His1603fs; shifts the reading frame from histidine 1603.
Molecular consequence: frameshift variant.
Genome position (GRCh38, 1-based): chr11:74,074,380-74,074,396, GGCAGGAGACTTCTGGT deleted on the plus strand (ACCAGAAGTCTCCTGCC on the coding strand, the reverse complement: C2CD3 is on the minus strand); deleting any 17 consecutive bases within chr11:74,074,380-74,074,405 gives the same sequence; the c. name uses the placement nearest the transcript's 3' end. VCF-style (leftmost placement, unchanged base first): chr11-74074379-AGGCAGGAGACTTCTGGT-A. GRCh37 (hg19) VCF-style: chr11-73785424-AGGCAGGAGACTTCTGGT-A.
Other names: c.4808_4824del, p.His1603fs (NM_015531.6); short protein forms H1603fs.
Identifiers: ClinVar variation 1980454 (VCV001980454.4), dbSNP rs760073211, ClinGen allele CA6182061.